The following is an entry in ClinVar:

ClinVar aggregate classification (germline): Conflicting classifications of pathogenicity. Review status: criteria provided, conflicting classifications (1 of 4 stars). 9 submissions from 9 submitters: Uncertain significance (1); Benign (2); Likely benign (5). 1 of the submissions does not count toward it. Last evaluated 2025-12-29.

Conditions:
DNMT1-related disorder. Also called: DNMT1-related condition. Identifiers: MedGen CN381527.
Inborn genetic diseases. Identifiers: MedGen C0950123, MeSH D030342.
Hereditary sensory neuropathy-deafness-dementia syndrome. Also called: HSN IE; Hereditary sensory neuropathy type IE; Hereditary Sensory and Autonomic Neuropathy Type 1E (HSAN1E); NEUROPATHY, HEREDITARY SENSORY, WITH HEARING LOSS AND DEMENTIA. Identifiers: Orphanet 456318, MedGen C3279885, MONDO:0013584, OMIM 614116.
Beckwith-Wiedemann syndrome (BWS). Also called: Exomphalos macroglossia gigantism syndrome; EMG SYNDROME. Identifiers: Orphanet 116, MedGen C0004903, MONDO:0007534, OMIM 130650.

Allele frequency attached by ClinVar (database versions not stated): gnomAD 0.00024 and 0.00027; gnomAD exomes 0.00025 and 0.00034; TOPMed 0.00025; ExAC 0.00027; ESP Exome Variant Server 0.00038; 1000 Genomes Project 0.00040.
gnomAD v4.1: 528 of 1,613,806 alleles (0.033%); highest among the groups gnomAD compares: Middle Eastern, 0.049%; 1 homozygote.

Submissions (9):

Labcorp Genetics (formerly Invitae), Labcorp
Classification: Uncertain significance for Hereditary sensory neuropathy-deafness-dementia syndrome. Last evaluated: 2025-12-29. Review status: criteria provided, single submitter. Criteria: Invitae Variant Classification Sherloc (09022015). Collection method: clinical testing. Allele origin: germline.
Comment: This sequence change replaces arginine, which is basic and polar, with cysteine, which is neutral and slightly polar, at codon 136 of the DNMT1 protein (p.Arg136Cys). This variant is present in population databases (rs138841970, gnomAD 0.04%), and has an allele count higher than expected for a pathogenic variant. This missense change has been observed in individual(s) with Beckwith-Wiedemann syndrome (PMID: 30165906). ClinVar contains an entry for this variant (Variation ID: 234461). An algorithm developed to predict the effect of missense changes on protein structure and function outputs the following: PolyPhen-2: "Benign". The cysteine amino acid residue is found in multiple mammalian species, which suggests that this missense change does not adversely affect protein function. In summary, the available evidence is currently insufficient to determine the role of this variant in disease. Therefore, it has been classified as a Variant of Uncertain Significance.

Mayo Clinic Laboratories, Mayo Clinic
Classification: Benign. Last evaluated: 2025-10-08. Review status: criteria provided, single submitter. Criteria: ACMG Guidelines, 2015. Collection method: clinical testing. Allele origin: germline. Observed: 2 variant alleles.
Comment: BS2, BP4_strong

PreventionGenetics, part of Exact Sciences
Classification: Likely benign for DNMT1-related condition. Last evaluated: 2025-02-20. Review status: criteria provided, single submitter. Criteria: ACMG Guidelines, 2015. Collection method: clinical testing. Allele origin: germline.
Comment: This variant is classified as likely benign based on ACMG/AMP sequence variant interpretation guidelines (Richards et al. 2015 PMID: 25741868, with internal and published modifications).

Blueprint Genetics
Classification: Likely benign. Last evaluated: 2024-11-01. Review status: criteria provided, single submitter. Criteria: ACMG Guidelines, 2015. Collection method: clinical testing. Allele origin: germline.

CeGaT Center for Human Genetics Tuebingen
Classification: Likely benign. Last evaluated: 2024-07-01. Review status: criteria provided, single submitter. Criteria: CeGaT Center For Human Genetics Tuebingen Variant Classification Criteria Version 2. Collection method: clinical testing. Allele origin: germline. Affected: yes. Observed: 3 variant alleles.
Comment: DNMT1: BP4, BS1

GeneDx
Classification: Likely benign. Last evaluated: 2020-02-18. Review status: criteria provided, single submitter. Criteria: GeneDx Variant Classification Process June 2021. Collection method: clinical testing. Allele origin: germline. Affected: yes.

Ambry Genetics
Classification: Likely benign for Inborn genetic diseases. Last evaluated: 2019-08-30. Review status: criteria provided, single submitter. Criteria: Ambry Variant Classification Scheme 2023. Collection method: clinical testing. Allele origin: germline.

Illumina Laboratory Services, Illumina
Classification: Benign for Hereditary sensory neuropathy-deafness-dementia syndrome. Last evaluated: 2018-01-13. Review status: criteria provided, single submitter. Criteria: ICSL Variant Classification Criteria 13 December 2019. Collection method: clinical testing. Allele origin: germline.
Comment: This variant was observed in the ICSL laboratory as part of a predisposition screen in an ostensibly healthy population. It had not been previously curated by ICSL or reported in the Human Gene Mutation Database (HGMD: prior to June 1st, 2018), and was therefore a candidate for classification through an automated scoring system. Utilizing variant allele frequency, disease prevalence and penetrance estimates, and inheritance mode, an automated score was calculated to assess if this variant is too frequent to cause the disease. Based on the score and internal cut-off values, a variant classified as benign is not then subjected to further curation. The score for this variant resulted in a classification of benign for this disease.

Genetics and Molecular Pathology Laboratory, Hudson Institute of Medical Research
Classification: Uncertain significance for Beckwith-Wiedemann syndrome. Review status: no assertion criteria provided. Collection method: research. Allele origin: germline, not applicable. Inheritance: Autosomal dominant inheritance. Affected: yes. Observed: 1 variant allele, 1 heterozygote. Not counted in ClinVar's aggregate classification.
Comment: This variant was identified in heterozygous form in 1 of 51 cases with Beckwith Wiedemann syndrome with loss of methylation at KCNQ1OT1 at Imprinting centre 2 on 11p15.5. The variant frequency in dbSNP147 is 0.00028.

Literature cited by the submitters: PubMed 30165906 (cited by Labcorp Genetics (formerly Invitae), Labcorp).

NM_001130823.3(DNMT1):c.406C>T (p.Arg136Cys)

Gene: DNMT1 (DNA methyltransferase 1; minus strand). Cytogenetic location: 19p13.2.
Variant type: single nucleotide variant.
Coding change: c.406C>T on transcript NM_001130823.3 (MANE Select); coding-DNA position 406, C replaced by T.
Protein change: p.Arg136Cys; replaces arginine 136 with cysteine.
Molecular consequence: missense variant.
Genome position (GRCh38, 1-based): chr19:10,180,389, G>A on the plus strand (C>T on the coding strand, the complement: DNMT1 is on the minus strand). VCF-style: chr19-10180389-G-A. GRCh37 (hg19) VCF-style: chr19-10291065-G-A.
Other names: p.Arg136Cys; c.406C>T, p.Arg136Cys (NM_001318730.2, NM_001379.4); c.43C>T, p.Arg15Cys (NM_001318731.2); c.406C>T (NM_001130823.2, LRG_362t1); short protein forms R136C, R15C.
Identifiers: ClinVar variation 234461 (VCV000234461.95), dbSNP rs138841970, ClinGen allele CA9188763.